The following is an entry in ClinVar:

NM_000053.4(ATP7B):c.804dup (p.Lys269Ter)

Gene: ATP7B (ATPase copper transporting beta; minus strand). Cytogenetic location: 13q14.3.
Variant type: Duplication.
Coding change: c.804dup on transcript NM_000053.4 (MANE Select); coding-DNA position 804, one base duplicated (T; older notation c.804dupT).
Protein change: p.Lys269Ter; replaces lysine 269 with a stop codon.
Molecular consequence: nonsense. On other transcripts: splice donor variant (1).
Genome position (GRCh38, 1-based): chr13:51,974,416, A duplicated on the plus strand (T on the coding strand, the reverse complement: ATP7B is on the minus strand). VCF-style (leftmost placement, unchanged base first): chr13-51974415-T-TA. GRCh37 (hg19) VCF-style: chr13-52548551-T-TA.
Other names: c.804dup, p.Lys269Ter (NM_001005918.3, NM_001330578.2, NM_001330579.2); c.802+2dup (NM_001243182.2); short protein forms K269*.
Identifiers: ClinVar variation 834759 (VCV000834759.10), dbSNP rs1952004098, ClinGen allele CA916083355.

ClinVar aggregate classification (germline): Pathogenic/Likely pathogenic. Review status: criteria provided, multiple submitters, no conflicts (2 of 4 stars). 3 submissions from 3 submitters: Pathogenic (2); Likely pathogenic (1). Last evaluated 2024-08-19.

Conditions:
Wilson disease (WND). Also called: Wilson's disease. Identifiers: Orphanet 905, MedGen C0019202, MONDO:0010200, OMIM 277900. Disease mechanism: loss of function.

Allele frequency attached by ClinVar (database versions not stated): gnomAD exomes below 0.00001; TOPMed below 0.00001.

Submissions (3):

Labcorp Genetics (formerly Invitae), Labcorp
Classification: Pathogenic for Wilson disease. Last evaluated: 2024-08-19. Review status: criteria provided, single submitter. Criteria: Invitae Variant Classification Sherloc (09022015). Collection method: clinical testing. Allele origin: germline.
Comment: This sequence change creates a premature translational stop signal (p.Lys269*) in the ATP7B gene. It is expected to result in an absent or disrupted protein product. Loss-of-function variants in ATP7B are known to be pathogenic (PMID: 10441329, 16283883). This variant is not present in population databases (gnomAD no frequency). This variant has not been reported in the literature in individuals affected with ATP7B-related conditions. ClinVar contains an entry for this variant (Variation ID: 834759). For these reasons, this variant has been classified as Pathogenic.

Baylor Genetics
Classification: Likely pathogenic for Wilson disease. Last evaluated: 2022-08-17. Review status: criteria provided, single submitter. Criteria: ACMG Guidelines, 2015. Collection method: clinical testing. Allele origin: unknown.

Genome-Nilou Lab
Classification: Pathogenic for Wilson disease. Last evaluated: 2021-08-10. Review status: criteria provided, single submitter. Criteria: ACMG Guidelines, 2015. Collection method: clinical testing. Allele origin: germline. Affected: no.

Literature cited by the submitters: PubMed 10441329 (cited by Labcorp Genetics (formerly Invitae), Labcorp); PubMed 16283883 (cited by Labcorp Genetics (formerly Invitae), Labcorp).